The following is an entry in ClinVar:

NM_004132.5(HABP2):c.1266T>C (p.Gly422=)

Gene: HABP2 (hyaluronan binding protein 2; plus strand). Cytogenetic location: 10q25.3.
Variant type: single nucleotide variant.
Coding change: c.1266T>C on transcript NM_004132.5 (MANE Select); coding-DNA position 1266, T replaced by C.
Protein change: p.Gly422=; no amino-acid change (glycine 422 retained).
Molecular consequence: synonymous variant.
Genome position (GRCh38, 1-based): chr10:113,584,176, T>C. VCF-style: chr10-113584176-T-C. GRCh37 (hg19) VCF-style: chr10-115343935-T-C.
Other names: c.1188T>C, p.Gly396= (NM_001177660.3).
Identifiers: ClinVar variation 3043223 (VCV003043223.3), dbSNP rs36039098, ClinGen allele CA5693974.

ClinVar aggregate classification (germline): Likely benign. Review status: criteria provided, single submitter (1 of 4 stars). 2 submissions from 2 submitters: Likely benign (1). 1 of the submissions does not count toward it. Last evaluated 2024-07-04.

Conditions:
HABP2-related disorder. Also called: HABP2-related condition.

Allele frequency attached by ClinVar (database versions not stated): gnomAD exomes 0.00013; ExAC 0.00044; 1000 Genomes Project 0.00120; ESP Exome Variant Server 0.00123; 1000 Genomes Project 30x 0.00125; TOPMed 0.00159; gnomAD 0.00163.
gnomAD v4.1: 447 of 1,613,742 alleles (0.028%); highest among the groups gnomAD compares: African/African-American, 0.53%; 2 homozygotes.

Submissions (2):

Blueprint Genetics
Classification: Likely benign. Last evaluated: 2024-07-04. Review status: criteria provided, single submitter. Criteria: ACMG Guidelines, 2015. Collection method: clinical testing. Allele origin: germline.

PreventionGenetics, part of Exact Sciences
Classification: Benign for HABP2-related condition. Last evaluated: 2019-06-20. Review status: no assertion criteria provided. Collection method: clinical testing. Allele origin: germline. Not counted in ClinVar's aggregate classification.
Comment: This variant is classified as benign based on ACMG/AMP sequence variant interpretation guidelines (Richards et al. 2015 PMID: 25741868, with internal and published modifications).